The following is an entry in ClinVar:

ClinVar aggregate classification (germline): Uncertain significance (1 of 4 stars; one submission).

Conditions:
Hereditary breast ovarian cancer syndrome. Also called: Hereditary breast and/or ovarian cancer syndrome; BRCA1- and BRCA2-Associated Hereditary Breast and Ovarian Cancer; Breast and ovarian cancer; Hereditary breast and ovarian cancer; Hereditary breast and ovarian cancer syndrome (HBOC); Hereditary breast and ovarian cancer syndrome. Identifiers: Orphanet 145, MedGen C0677776, MeSH D061325, MONDO:0003582. Disease mechanism: loss of function.

Submission:

Labcorp Genetics (formerly Invitae), Labcorp
Classification: Uncertain significance for Hereditary breast ovarian cancer syndrome. Last evaluated: 2022-12-12. Review status: criteria provided, single submitter. Criteria: Invitae Variant Classification Sherloc (09022015). Collection method: clinical testing. Allele origin: germline.
Comment: This sequence change falls in intron 11 of the BRCA1 gene. It does not directly change the encoded amino acid sequence of the BRCA1 protein. This variant is not present in population databases (gnomAD no frequency). This variant has not been reported in the literature in individuals affected with BRCA1-related conditions. Algorithms developed to predict the effect of sequence changes on RNA splicing suggest that this variant may disrupt the consensus splice site. In summary, the available evidence is currently insufficient to determine the role of this variant in disease. Therefore, it has been classified as a Variant of Uncertain Significance.

NM_007294.4(BRCA1):c.4186-11C>A

Gene: BRCA1 (BRCA1 DNA repair associated; minus strand). Cytogenetic location: 17q21.31.
Variant type: single nucleotide variant.
Coding change: c.4186-11C>A on transcript NM_007294.4 (MANE Select); 11 bases into the intron before coding-DNA position 4186, C replaced by A.
Molecular consequence: intron variant.
Genome position (GRCh38, 1-based): chr17:43,082,586, G>T on the plus strand (C>A on the coding strand, the complement: BRCA1 is on the minus strand). VCF-style: chr17-43082586-G-T. GRCh37 (hg19) VCF-style: chr17-41234603-G-T.
Other names: c.736-11C>A (NM_001408458.1, NM_001408453.1, NM_001408461.1 and 8 more transcripts); c.3298-11C>A (NM_001407967.1, NM_001407966.1); c.3805-11C>A (NM_001407959.1, NM_001407960.1); c.3919-11C>A (NM_001407931.1, NM_001407932.1, NM_001407936.1 and 1 more transcripts); c.4042-11C>A (NM_001407747.1, NM_001407839.1, NM_001407745.1 and 17 more transcripts); c.3802-11C>A (NM_001407962.1); c.373-11C>A (NM_001408512.1); c.496-11C>A (NM_001408510.1); and 64 more.
Identifiers: ClinVar variation 2032778 (VCV002032778.4), dbSNP rs80358080, ClinGen allele CA2580093823.